The following is an entry in ClinVar:

ClinVar aggregate classification (germline): Uncertain significance (1 of 4 stars; one submission).

Conditions:
Inborn genetic diseases. Identifiers: MedGen C0950123, MeSH D030342.

Submission:

Ambry Genetics
Classification: Uncertain significance for Inborn genetic diseases. Last evaluated: 2026-06-03. Review status: criteria provided, single submitter. Criteria: Ambry Variant Classification Scheme 2023. Collection method: clinical testing. Allele origin: germline.
Comment: The p.S979T variant (also known as c.2936G>C), located in coding exon 24 of the ANKRD26 gene, results from a G to C substitution at nucleotide position 2936. The serine at codon 979 is replaced by threonine, an amino acid with similar properties. This amino acid position is conserved. In addition, this alteration is predicted to be tolerated by in silico analysis. Based on the available evidence, the clinical significance of this variant remains unclear.

NM_014915.3(ANKRD26):c.2936G>C (p.Ser979Thr)

Gene: ANKRD26 (ankyrin repeat domain 26; minus strand). Cytogenetic location: 10p12.1.
Variant type: single nucleotide variant.
Coding change: c.2936G>C on transcript NM_014915.3 (MANE Select); coding-DNA position 2936, G replaced by C.
Protein change: p.Ser979Thr; replaces serine 979 with threonine.
Molecular consequence: missense variant.
Genome position (GRCh38, 1-based): chr10:27,035,514, C>G on the plus strand (G>C on the coding strand, the complement: ANKRD26 is on the minus strand). VCF-style: chr10-27035514-C-G. GRCh37 (hg19) VCF-style: chr10-27324443-C-G.
Other names: c.2933G>C, p.Ser978Thr (NM_001256053.2); short protein forms S978T, S979T.
Identifiers: ClinVar variation 4859942 (VCV004859942.1).